The following is an entry in ClinVar:

ClinVar aggregate classification (germline): Pathogenic/Likely pathogenic. Review status: criteria provided, multiple submitters, no conflicts (2 of 4 stars). 12 submissions from 12 submitters: Pathogenic (11); Likely pathogenic (1). Last evaluated 2025-12-29.
ClinVar aggregate classification (oncogenicity): Likely oncogenic (1 of 4 stars; one submission).

Conditions:
Hereditary cancer-predisposing syndrome. Also called: Neoplastic Syndromes, Hereditary; Tumor predisposition; Hereditary neoplastic syndrome; Hereditary Cancer Syndrome. Identifiers: Orphanet 140162, MedGen C0027672, MeSH D009386, MONDO:0015356.
Fanconi anemia complementation group J. Also called: BRIP1-Related Fanconi Anemia. Identifiers: Orphanet 84, MedGen C1836860, MONDO:0012187, OMIM 609054.
Familial cancer of breast. Also called: Hereditary breast cancer; hereditary breast carcinoma; BREAST CANCER, FAMILIAL. Identifiers: Orphanet 227535, MedGen C0346153, MONDO:0016419, OMIM 114480. Disease mechanism: loss of function.
Neoplasm. Also called: tumor; Neoplasms; Neoplasm (disease). Identifiers: MedGen C0027651, MeSH D009369, MONDO:0005070, HP:0002664.

Submissions (13):

Center for Genomic Medicine, Rigshospitalet, Copenhagen University Hospital
Classification: Likely oncogenic for Neoplasm. Last evaluated: 2026-10-16. Review status: criteria provided, single submitter. Criteria: ClinGen/CGC/VICC Guidelines for Oncogenicity, 2022. Collection method: clinical testing. Allele origin: somatic. Affected: yes.

Center for Genomic Medicine, Rigshospitalet, Copenhagen University Hospital
Classification: Likely pathogenic. Last evaluated: 2025-12-29. Review status: criteria provided, single submitter. Criteria: ACMG Guidelines, 2015. Collection method: clinical testing. Allele origin: germline.
Comment: Classification criteria: PVS1, PM2_supporting

Labcorp Genetics (formerly Invitae), Labcorp
Classification: Pathogenic for Familial cancer of breast; Fanconi anemia complementation group J. Last evaluated: 2025-12-21. Review status: criteria provided, single submitter. Criteria: Invitae Variant Classification Sherloc (09022015). Collection method: clinical testing. Allele origin: germline.
Comment: This sequence change creates a premature translational stop signal (p.Thr132Asnfs*10) in the BRIP1 gene. It is expected to result in an absent or disrupted protein product. Loss-of-function variants in BRIP1 are known to be pathogenic (PMID: 16116423, 17033622, 21964575). This variant is present in population databases (rs587781416, gnomAD 0.002%). This premature translational stop signal has been observed in individual(s) with ovarian cancer (PMID: 26315354, 26720728). This variant is also known as c.394insA (p.T132fs). ClinVar contains an entry for this variant (Variation ID: 140984). For these reasons, this variant has been classified as Pathogenic.

Ambry Genetics
Classification: Pathogenic for Hereditary cancer-predisposing syndrome. Last evaluated: 2025-04-10. Review status: criteria provided, single submitter. Criteria: Ambry Variant Classification Scheme 2023. Collection method: clinical testing. Allele origin: germline.
Comment: The c.394dupA pathogenic mutation, located in coding exon 4 of the BRIP1 gene, results from a duplication of A at nucleotide position 394, causing a translational frameshift with a predicted alternate stop codon (p.T132Nfs*10). This pathogenic mutation has been reported in multiple individuals with serous ovarian cancer (Ramus SJ et al. J. Natl. Cancer Inst. 2015 Nov;107:djv214; Norquist BM et al. JAMA Oncol 2016 Apr;2:482-90). Of note, this alteration is also designated as c.394insA in published literature. This variant is considered to be rare based on population cohorts in the Genome Aggregation Database (gnomAD). This alteration is expected to result in loss of function by premature protein truncation or nonsense-mediated mRNA decay. As such, this alteration is interpreted as a disease-causing mutation.

Department of Pathology and Laboratory Medicine, Sinai Health System
Classification: Pathogenic for Familial cancer of breast; Fanconi anemia complementation group J. Last evaluated: 2024-11-12. Review status: criteria provided, single submitter. Criteria: ACMG Guidelines, 2015. Collection method: clinical testing. Allele origin: germline.

Baylor Genetics
Classification: Pathogenic for Familial cancer of breast. Last evaluated: 2023-12-20. Review status: criteria provided, single submitter. Criteria: ACMG Guidelines, 2015. Collection method: clinical testing. Allele origin: unknown.

Myriad Genetics, Inc.
Classification: Pathogenic for Familial cancer of breast. Last evaluated: 2023-05-30. Review status: criteria provided, single submitter. Criteria: Myriad Autosomal Dominant, Autosomal Recessive and X-Linked Classification Criteria (2023). Collection method: clinical testing. Allele origin: unknown.
Comment: This variant is considered pathogenic. This variant creates a frameshift predicted to result in premature protein truncation.

GeneDx
Classification: Pathogenic. Last evaluated: 2023-05-19. Review status: criteria provided, single submitter. Criteria: GeneDx Variant Classification Process June 2021. Collection method: clinical testing. Allele origin: germline. Affected: yes.
Comment: Frameshift variant predicted to result in protein truncation or nonsense mediated decay in a gene for which loss of function is a known mechanism of disease; Not observed at significant frequency in large population cohorts (gnomAD); Case-control data support that this variant is associated with ovarian cancer, albeit with wide confidence interval(s) (Suszynska et al., 2020); This variant is associated with the following publications: (PMID: 21964575, 16116423, 17033622, 28888541, 34680501, 26315354, 32359370, 26720728, 29922827)

Color Diagnostics, LLC DBA Color Health
Classification: Pathogenic for Hereditary cancer-predisposing syndrome. Last evaluated: 2022-10-17. Review status: criteria provided, single submitter. Criteria: ACMG Guidelines, 2015. Collection method: clinical testing. Allele origin: germline.
Comment: This variant inserts 1 nucleotide in exon 5 of the BRIP1 gene, creating a frameshift and premature translation stop signal. This variant is expected to result in an absent or non-functional protein product. This variant has been observed in individuals affected with ovarian cancer (PMID: 26315354, 26720728, 32359370). This variant has been identified in 2/251000 chromosomes in the general population by the Genome Aggregation Database (gnomAD). Loss of BRIP1 function is a known mechanism of disease. Based on the available evidence, this variant is classified as Pathogenic.

Quest Diagnostics Nichols Institute San Juan Capistrano
Classification: Pathogenic. Last evaluated: 2020-10-26. Review status: criteria provided, single submitter. Criteria: Quest Diagnostics criteria. Collection method: clinical testing. Allele origin: unknown.
Comment: This frameshift variant causes the premature termination of BRIP1 protein synthesis. It has been reported in individuals with ovarian cancer in the published literature (PMID: 32359370 (2020), 26720728 (2016), 26315354 (2015)). The frequency of this variant in the general population is consistent with pathogenicity. Therefore, the variant is classified as pathogenic.

Revvity Omics, Revvity
Classification: Pathogenic for Fanconi anemia complementation group J. Last evaluated: 2019-05-15. Review status: criteria provided, single submitter. Criteria: ACMG Guidelines, 2015. Collection method: clinical testing. Allele origin: germline.

Institute of Human Genetics, University of Leipzig Medical Center
Classification: Pathogenic for Familial cancer of breast. Last evaluated: 2019-01-01. Review status: criteria provided, single submitter. Criteria: ACMG Guidelines, 2015. Collection method: clinical testing. Allele origin: unknown. Affected: no.
Comment: This variant was identified as compound heterozygous.

Juno Genomics, Hangzhou Juno Genomics, Inc
Classification: Pathogenic for Familial cancer of breast; Fanconi anemia complementation group J. Review status: criteria provided, single submitter. Criteria: ACMG Guidelines, 2015. Collection method: clinical testing. Allele origin: germline.
Comment: Absent from controls (or at extremely low frequency if recessive) in Genome Aggregation Database.;Null variant in a gene where loss of function (LOF) is a known mechanism of disease.;The prevalence of the variant in affected individuals is significantly increased compared to the prevalence in controls.

Literature cited by the submitters: PubMed 26315354 (cited by 6 submitters); PubMed 26720728 (cited by 6 submitters); PubMed 16116423 (cited by Labcorp Genetics (formerly Invitae), Labcorp); PubMed 17033622 (cited by Labcorp Genetics (formerly Invitae), Labcorp); PubMed 21964575 (cited by Labcorp Genetics (formerly Invitae), Labcorp); PubMed 32359370 (cited by 3 submitters).

NM_032043.3(BRIP1):c.394dup (p.Thr132fs)

Gene: BRIP1 (BRCA1 interacting DNA helicase 1; minus strand). Cytogenetic location: 17q23.2.
Variant type: Duplication.
Coding change: c.394dup on transcript NM_032043.3 (MANE Select); coding-DNA position 394, one base duplicated (A; older notation c.394dupA).
Protein change: p.Thr132fs; shifts the reading frame from threonine 132.
Molecular consequence: frameshift variant.
Genome position (GRCh38, 1-based): chr17:61,849,242, T duplicated on the plus strand (A on the coding strand, the reverse complement: BRIP1 is on the minus strand); the first of 6 consecutive T bases (chr17:61,849,242-61,849,247); duplicating any one gives the same sequence. VCF-style (leftmost placement, unchanged base first): chr17-61849241-G-GT. GRCh37 (hg19) VCF-style: chr17-59926602-G-GT.
Other names: c.394dupA (NM_032043.2, NM_032043.3); short protein forms T132fs.
Identifiers: ClinVar variation 140984 (VCV000140984.37), dbSNP rs587781416, ClinGen allele CA164118.